The following is an entry in ClinVar:

NM_206933.4(USH2A):c.1130del (p.Asn377fs)

Gene: USH2A (usherin; minus strand). Cytogenetic location: 1q41.
Variant type: Deletion.
Coding change: c.1130del on transcript NM_206933.4 (MANE Select); coding-DNA position 1130, one base deleted (A; older notation c.1130delA).
Protein change: p.Asn377fs; shifts the reading frame from asparagine 377.
Molecular consequence: frameshift variant.
Genome position (GRCh38, 1-based): chr1:216,325,318, T deleted on the plus strand (A on the coding strand, the reverse complement: USH2A is on the minus strand); the first of 4 consecutive T bases (chr1:216,325,318-216,325,321); deleting any one gives the same sequence. VCF-style (leftmost placement, unchanged base first): chr1-216325317-AT-A. GRCh37 (hg19) VCF-style: chr1-216498659-AT-A.
Other names: c.1130del, p.Asn377fs (NM_007123.6); short protein forms N377fs.
Identifiers: ClinVar variation 2855478 (VCV002855478.3), dbSNP rs2527439671, ClinGen allele CA2739275698.

ClinVar aggregate classification (germline): Pathogenic (1 of 4 stars; one submission).

Submission:

Labcorp Genetics (formerly Invitae), Labcorp
Classification: Pathogenic. Last evaluated: 2023-04-12. Review status: criteria provided, single submitter. Criteria: Invitae Variant Classification Sherloc (09022015). Collection method: clinical testing. Allele origin: germline.
Comment: This sequence change creates a premature translational stop signal (p.Asn377Metfs*21) in the USH2A gene. It is expected to result in an absent or disrupted protein product. Loss-of-function variants in USH2A are known to be pathogenic (PMID: 10729113, 10909849, 20507924, 25649381). This variant is not present in population databases (gnomAD no frequency). This variant has not been reported in the literature in individuals affected with USH2A-related conditions. For these reasons, this variant has been classified as Pathogenic.

Literature cited by the submitters: PubMed 10729113; PubMed 10909849; PubMed 20507924; PubMed 25649381.